The following is an entry in ClinVar:

ClinVar aggregate classification (germline): Conflicting classifications of pathogenicity. Review status: criteria provided, conflicting classifications (1 of 4 stars). 6 submissions from 6 submitters: Uncertain significance (4); Benign (1); Likely benign (1). Last evaluated 2026-02-01.

Conditions:
ZNF423-related disorder. Also called: ZNF423-related condition.
Nephronophthisis 14 (NPHP14). Identifiers: Orphanet 2318, MedGen C3539071, MONDO:0013916, OMIM 614844.

Allele frequency attached by ClinVar (database versions not stated): 1000 Genomes Project 30x 0.00016; 1000 Genomes Project 0.00020; TOPMed 0.00052; ESP Exome Variant Server 0.00054; gnomAD 0.00058 and 0.00063; gnomAD exomes 0.00079 and 0.00108; ExAC 0.00083.
gnomAD v4.1: 1,617 of 1,613,990 alleles (0.1%); highest among the groups gnomAD compares: Non-Finnish European, 0.13%; 2 homozygotes.

Submissions (6):

CeGaT Center for Human Genetics Tuebingen
Classification: Benign. Last evaluated: 2026-02-01. Review status: criteria provided, single submitter. Criteria: CeGaT Center For Human Genetics Tuebingen Variant Classification Criteria Version 2. Collection method: clinical testing. Allele origin: germline. Affected: yes. Observed: 2 variant alleles.
Comment: ZNF423: BS1, BS2

PreventionGenetics, part of Exact Sciences
Classification: Uncertain significance for ZNF423-related condition. Last evaluated: 2026-01-08. Review status: criteria provided, single submitter. Criteria: ACMG Guidelines, 2015. Collection method: clinical testing. Allele origin: germline.
Comment: The ZNF423 c.1144T>C variant is predicted to result in the amino acid substitution p.Ser382Pro. This variant, along with variants in other genes, has been reported in the heterozygous state as a variant of uncertain significance in an individual with pituitary stalk interruption syndrome (Brauner et al 2020. PubMed ID: 33270637). This variant is reported in 0.13% of alleles in individuals of European (non-Finnish) descent in gnomAD. Although we suspect that this variant may be benign, at this time, the clinical significance of this variant is uncertain due to the absence of conclusive functional and genetic evidence.

GeneDx
Classification: Uncertain significance. Last evaluated: 2025-02-19. Review status: criteria provided, single submitter. Criteria: GeneDx Variant Classification Process June 2021. Collection method: clinical testing. Allele origin: germline. Affected: yes.
Comment: Reported in the heterozygous state in a patient with decreased gonadotropin hormones and unexplained low inhibin B suggesting ovarian insufficiency (PMID: 33270637); In silico analysis indicates that this missense variant does not alter protein structure/function; This variant is associated with the following publications: (PMID: 33270637)

Blueprint Genetics
Classification: Likely benign. Last evaluated: 2024-11-15. Review status: criteria provided, single submitter. Criteria: ACMG Guidelines, 2015. Collection method: clinical testing. Allele origin: germline.

Labcorp Genetics (formerly Invitae), Labcorp
Classification: Uncertain significance for Nephronophthisis 14. Last evaluated: 2022-11-01. Review status: criteria provided, single submitter. Criteria: Invitae Variant Classification Sherloc (09022015). Collection method: clinical testing. Allele origin: germline.
Comment: This sequence change replaces serine, which is neutral and polar, with proline, which is neutral and non-polar, at codon 382 of the ZNF423 protein (p.Ser382Pro). This variant is present in population databases (rs142835239, gnomAD 0.1%), and has an allele count higher than expected for a pathogenic variant. This variant has not been reported in the literature in individuals affected with ZNF423-related conditions. ClinVar contains an entry for this variant (Variation ID: 197823). Advanced modeling of protein sequence and biophysical properties (such as structural, functional, and spatial information, amino acid conservation, physicochemical variation, residue mobility, and thermodynamic stability) performed at Invitae indicates that this missense variant is not expected to disrupt ZNF423 protein function. In summary, the available evidence is currently insufficient to determine the role of this variant in disease. Therefore, it has been classified as a Variant of Uncertain Significance.

Eurofins Ntd Llc (ga)
Classification: Uncertain significance. Last evaluated: 2015-05-12. Review status: criteria provided, single submitter. Criteria: EGL Classification Definitions 2015. Collection method: clinical testing. Allele origin: germline. Observed: 1 variant allele, 1 heterozygote.

NM_001379286.1(ZNF423):c.1168T>C (p.Ser390Pro)

Gene: ZNF423 (zinc finger protein 423; minus strand). Cytogenetic location: 16q12.1.
Variant type: single nucleotide variant.
Coding change: c.1168T>C on transcript NM_001379286.1 (MANE Select); coding-DNA position 1168, T replaced by C.
Protein change: p.Ser390Pro; replaces serine 390 with proline.
Molecular consequence: missense variant.
Genome position (GRCh38, 1-based): chr16:49,638,008, A>G on the plus strand (T>C on the coding strand, the complement: ZNF423 is on the minus strand). VCF-style: chr16-49638008-A-G. GRCh37 (hg19) VCF-style: chr16-49671919-A-G.
Other names: c.964T>C, p.Ser322Pro (NM_001271620.2); c.793T>C, p.Ser265Pro (NM_001330533.2); c.1144T>C, p.Ser382Pro (NM_015069.5); c.1144T>C (NM_015069.4); short protein forms S322P, S382P, S265P, S390P.
Identifiers: ClinVar variation 197823 (VCV000197823.20), dbSNP rs142835239, ClinGen allele CA246176.